The following is an entry in ClinVar:

ClinVar aggregate classification (germline): Conflicting classifications of pathogenicity. Review status: criteria provided, conflicting classifications (1 of 4 stars). 6 submissions from 6 submitters: Likely pathogenic (2); Uncertain significance (2). 2 of the submissions do not count toward it. Last evaluated 2026-01-04.

Conditions:
Retinitis pigmentosa (RP). Identifiers: Orphanet 791, MedGen C0035334, MeSH D012174, MONDO:0019200, OMIM 268000. Inheritance: Autosomal dominant, autosomal recessive and X linked inheritance.
Usher syndrome. Also called: Usher Syndromes; Usher's syndrome. Identifiers: Orphanet 886, MedGen CN469326, MeSH D052245, MONDO:0019501. Disease mechanism: loss of function.
Retinitis pigmentosa 39 (RP39). Identifiers: Orphanet 791, MedGen C3151138, MONDO:0013436, OMIM 613809.
Usher syndrome type 2A. Also called: USHER SYNDROME, TYPE IIA; RETINAL DISEASE IN USHER SYNDROME TYPE IIA, MODIFIER OF. Identifiers: Orphanet 231178, Orphanet 886, MedGen C1848634, MONDO:0010169, OMIM 276901.

Allele frequency attached by ClinVar (database versions not stated): gnomAD below 0.00001 and 0.00002; gnomAD exomes 0.00002; ExAC 0.00003.
gnomAD v4.1: 35 of 1,613,622 alleles (0.0022%); highest among the groups gnomAD compares: South Asian, 0.031%; no homozygotes.

Submissions (6):

Labcorp Genetics (formerly Invitae), Labcorp
Classification: Likely pathogenic. Last evaluated: 2026-01-04. Review status: criteria provided, single submitter. Criteria: Invitae Variant Classification Sherloc (09022015). Collection method: clinical testing. Allele origin: germline.
Comment: This sequence change replaces leucine, which is neutral and non-polar, with serine, which is neutral and polar, at codon 2301 of the USH2A protein (p.Leu2301Ser). This variant is present in population databases (rs759494205, gnomAD 0.02%). This missense change has been observed in individuals with retinitis pigmentosa (PMID: 28559085, 30718709, 32531858). ClinVar contains an entry for this variant (Variation ID: 554116). Invitae Evidence Modeling of protein sequence and biophysical properties (such as structural, functional, and spatial information, amino acid conservation, physicochemical variation, residue mobility, and thermodynamic stability) indicates that this missense variant is not expected to disrupt USH2A protein function with a negative predictive value of 95%. In summary, the currently available evidence indicates that the variant is pathogenic, but additional data are needed to prove that conclusively. Therefore, this variant has been classified as Likely Pathogenic.

CeGaT Center for Human Genetics Tuebingen
Classification: Uncertain significance. Last evaluated: 2025-11-01. Review status: criteria provided, single submitter. Criteria: CeGaT Center For Human Genetics Tuebingen Variant Classification Criteria Version 2. Collection method: clinical testing. Allele origin: germline. Affected: yes. Observed: 1 variant allele.
Comment: USH2A: PM2, PM3, BP4

Blueprint Genetics
Classification: Uncertain significance. Last evaluated: 2024-01-12. Review status: criteria provided, single submitter. Criteria: ACMG Guidelines, 2015. Collection method: clinical testing. Allele origin: germline.

Women's Health and Genetics/Laboratory Corporation of America, LabCorp
Classification: Likely pathogenic for Usher syndrome. Last evaluated: 2022-06-03. Review status: criteria provided, single submitter. Criteria: LabCorp Variant Classification Summary - May 2015. Collection method: clinical testing. Allele origin: germline.
Comment: Variant summary: USH2A c.6902T>C (p.Leu2301Ser) results in a non-conservative amino acid change located in the Fibronectin type III domain of the encoded protein sequence. Three of five in-silico tools predict a benign effect of the variant on protein function. The variant allele was found at a frequency of 2.4e-05 in 251032 control chromosomes. c.6902T>C has been reported in the literature in individuals affected with Retinitis pigmentosa. Several patients carried the variant in the compound heterozygous state along with a known pathogenic or truncating variant (Stone_2017, Jespersgaard_2018, Weisschuh_2020). In addition, the variant has been reported in patients who carried a second pathogenic in trans, but also carried an variant of unknown significance in cis (Glockle_2014, Birtel_2018). These data indicate that the variant is likely to be associated with disease. To our knowledge, no experimental evidence demonstrating an impact on protein function has been reported. Three clinical diagnostic laboratories have submitted clinical-significance assessments for this variant to ClinVar after 2014 without evidence for independent evaluation. Two submitters classified the variant as VUS while one classified as likely pathogenic. Based on the evidence outlined above, the variant was classified as likely pathogenic.

Department of Clinical Genetics, Copenhagen University Hospital, Rigshospitalet
Classification: Likely pathogenic for Retinitis pigmentosa. Last evaluated: 2018-04-01. Review status: no assertion criteria provided. Collection method: research. Allele origin: unknown. Affected: yes. Study: VeluxRD. Not counted in ClinVar's aggregate classification.

Counsyl
Classification: Uncertain significance for Usher syndrome type 2A; Retinitis pigmentosa 39. Last evaluated: 2017-09-26. Review status: no assertion criteria provided. Collection method: clinical testing. Allele origin: unknown. Not counted in ClinVar's aggregate classification.

Literature cited by the submitters: PubMed 28559085 (cited by Labcorp Genetics (formerly Invitae), Labcorp and Women's Health and Genetics/Laboratory Corporation of America, LabCorp); PubMed 30718709 (cited by 3 submitters); PubMed 32531858 (cited by Labcorp Genetics (formerly Invitae), Labcorp and Women's Health and Genetics/Laboratory Corporation of America, LabCorp); PubMed 23591405 (cited by Women's Health and Genetics/Laboratory Corporation of America, LabCorp and Counsyl); PubMed 30543658 (cited by Women's Health and Genetics/Laboratory Corporation of America, LabCorp).

NM_206933.4(USH2A):c.6902T>C (p.Leu2301Ser)

Gene: USH2A (usherin; minus strand). Cytogenetic location: 1q41.
Variant type: single nucleotide variant.
Coding change: c.6902T>C on transcript NM_206933.4 (MANE Select); coding-DNA position 6902, T replaced by C.
Protein change: p.Leu2301Ser; replaces leucine 2301 with serine.
Molecular consequence: missense variant.
Genome position (GRCh38, 1-based): chr1:215,970,680, A>G on the plus strand (T>C on the coding strand, the complement: USH2A is on the minus strand). VCF-style: chr1-215970680-A-G. GRCh37 (hg19) VCF-style: chr1-216144022-A-G.
Other names: short protein forms L2301S.
Identifiers: ClinVar variation 554116 (VCV000554116.18), dbSNP rs759494205, ClinGen allele CA1395005.